The following is an entry in ClinVar:

NM_017946.4(FKBP14):c.350-5G>A

Genes: FKBP14 (FKBP prolyl isomerase 14; minus strand), FKBP14-AS1 (FKBP14 antisense RNA 1; plus strand). Cytogenetic location: 7p14.3.
Variant type: single nucleotide variant.
Coding change: c.350-5G>A on transcript NM_017946.4 (MANE Select); 5 bases into the intron before coding-DNA position 350, G replaced by A.
Molecular consequence: intron variant.
Genome position (GRCh38, 1-based): chr7:30,019,128, C>T on the plus strand (G>A on the coding strand, the complement: FKBP14 is on the minus strand). VCF-style: chr7-30019128-C-T. GRCh37 (hg19) VCF-style: chr7-30058744-C-T.
Other names: c.350-5G>A (NM_017946.3).
Identifiers: ClinVar variation 1143605 (VCV001143605.16), dbSNP rs763069544, ClinGen allele CA4203422.
Genomic context (GRCh38, chr7:30,019,128, plus strand): 5'-TCGAATCTCCAGGAGATCAATATTAAATATCAGTGTACTTTCTGGGGGAATTTTACCTGA[C>T]GTGAGGAAAGAAGGCAGAAAGTTTTAAAAGAGCCAAAAGTTTTAATAATAGAAAATTTAT-3'

ClinVar aggregate classification (germline): Conflicting classifications of pathogenicity. Review status: criteria provided, conflicting classifications (1 of 4 stars). 5 submissions from 5 submitters: Uncertain significance (1); Likely benign (3). 1 of the submissions does not count toward it. Last evaluated 2025-12-27.

Conditions:
FKBP14-related disorder. Also called: FKBP14-related condition.
Cardiovascular phenotype. Identifiers: MedGen CN230736.
Ehlers-Danlos syndrome, kyphoscoliotic type, 2. Also called: Ehlers-Danlos syndrome, kyphoscoliotic and deafness type; FKBP14-Kyphoscoliotic Ehlers-Danlos Syndrome; Ehlers-Danlos syndrome with progressive kyphoscoliosis, myopathy, and hearing loss. Identifiers: Orphanet 300179, MedGen C3281160, MONDO:0013800, OMIM 614557.

Allele frequency attached by ClinVar (database versions not stated): ExAC 0.00003; TOPMed 0.00006; gnomAD 0.00007; gnomAD exomes 0.00002.
gnomAD v4.1: 34 of 1,561,434 alleles (0.0022%); highest among the groups gnomAD compares: African/African-American, 0.018%; no homozygotes.

Submissions (6):

Labcorp Genetics (formerly Invitae), Labcorp
Classification: Likely benign for Ehlers-Danlos syndrome, kyphoscoliotic type, 2. Last evaluated: 2025-12-27. Review status: criteria provided, single submitter. Criteria: Invitae Variant Classification Sherloc (09022015). Collection method: clinical testing. Allele origin: germline.

Women's Health and Genetics/Laboratory Corporation of America, LabCorp
Classification: Likely benign. Last evaluated: 2025-12-03. Review status: criteria provided, single submitter. Criteria: LabCorp Variant Classification Summary - May 2015. Collection method: clinical testing. Allele origin: germline.
Comment: Variant summary: FKBP14 c.350-5G>A alters a nucleotide located at a position not widely known to affect splicing. Consensus agreement among computation tools predict no significant impact on normal splicing. However, these predictions have yet to be confirmed by functional studies. The variant allele was found at a frequency of 2e-05 in 198656 control chromosomes. The available data on variant occurrences in the general population are insufficient to allow any conclusion about variant significance. To our knowledge, no occurrence of c.350-5G>A in individuals affected with FKBP14-related conditions and no experimental evidence demonstrating its impact on protein function have been reported. ClinVar contains an entry for this variant (Variation ID: 1143605). Based on the evidence outlined above, the variant was classified as likely benign.

Ambry Genetics
Classification: Uncertain significance for Cardiovascular phenotype. Last evaluated: 2024-11-12. Review status: criteria provided, single submitter. Criteria: Ambry Variant Classification Scheme 2023. Collection method: clinical testing. Allele origin: germline.
Comment: The c.350-5G>A intronic variant results from a G to A substitution 5 nucleotides upstream from coding exon 3 in the FKBP14 gene. This nucleotide position is not well conserved in available vertebrate species. In silico splice site analysis predicts that this alteration will not have any significant effect on splicing. Since supporting evidence is limited at this time, the clinical significance of this alteration remains unclear.

GeneDx
Classification: Likely benign. Last evaluated: 2021-05-27. Review status: criteria provided, single submitter. Criteria: GeneDx Variant Classification Process June 2021. Collection method: clinical testing. Allele origin: germline. Affected: yes.
Comment: This variant is associated with the following publications: (PMID: 27535533)

PreventionGenetics, part of Exact Sciences
Classification: Likely benign for FKBP14-related condition. Last evaluated: 2024-04-18. Review status: no assertion criteria provided. Collection method: clinical testing. Allele origin: germline. Not counted in ClinVar's aggregate classification.
Comment: This variant is classified as likely benign based on ACMG/AMP sequence variant interpretation guidelines (Richards et al. 2015 PMID: 25741868, with internal and published modifications).

Dr. Peter K. Rogan Lab, Western University
No classification provided (evidence only). Condition: Cervical cancer. Review status: no classification provided. Collection method: in vitro. Allele origin: not applicable. Functional consequence: retained intron. Not counted in ClinVar's aggregate classification.